The following is an entry in ClinVar:

NM_000256.3(MYBPC3):c.506-3_506dup

Gene: MYBPC3 (myosin binding protein C3; minus strand). Cytogenetic location: 11p11.2.
Variant type: Duplication.
Coding change: c.506-3_506dup on transcript NM_000256.3 (MANE Select); 3 bases into the intron before coding-DNA position 506 through coding-DNA position 506, 4 bases duplicated (CAGG; older notation c.506-3_506dupCAGG).
Molecular consequence: splice acceptor variant.
Genome position (GRCh38, 1-based): chr11:47,349,922-47,349,925, CCTG duplicated on the plus strand (CAGG on the coding strand, the reverse complement: MYBPC3 is on the minus strand); duplicating any 4 consecutive bases within chr11:47,349,922-47,349,926 gives the same sequence; the c. name uses the placement nearest the transcript's 3' end. VCF-style (leftmost placement, unchanged base first): chr11-47349921-A-ACCTG. GRCh37 (hg19) VCF-style: chr11-47371472-A-ACCTG.
Other names: c.506-3_506dup (LRG_386t1); c.506-3_506dupCAGG (NM_000256.3).
Identifiers: ClinVar variation 454332 (VCV000454332.8), dbSNP rs1555123438, ClinGen allele CA658658053.
Genomic context (GRCh38, chr11:47,349,921, plus strand): 5'-GACCACAGGCGGCTTCAGGAGGCTGGCGCCGGCCACGCGGGCTGAGAAGGTGATGCTGCC[A>ACCTG]CCTGCAAAGGCAGGGGCGACAGGCCCGGCTTGGGGAGTGTCCTGCTGCCCCCCCTTCCCA-3'

ClinVar aggregate classification (germline): Pathogenic (1 of 4 stars; one submission).

Conditions:
Hypertrophic cardiomyopathy. Also called: HYPERTROPHIC MYOCARDIOPATHY. Identifiers: Orphanet 217569, MedGen C0007194, MeSH D002312, MONDO:0005045, HP:0001639.

Submission:

Labcorp Genetics (formerly Invitae), Labcorp
Classification: Pathogenic for Hypertrophic cardiomyopathy. Last evaluated: 2020-03-15. Review status: criteria provided, single submitter. Criteria: Invitae Variant Classification Sherloc (09022015). Collection method: clinical testing. Allele origin: germline.
Comment: This sequence change creates a premature translational stop signal (p.Gly170Argfs*72) in the MYBPC3 gene. It is expected to result in an absent or disrupted protein product. This variant is not present in population databases (ExAC no frequency). This variant has not been reported in the literature in individuals with MYBPC3-related conditions. ClinVar contains an entry for this variant (Variation ID: 454332). Algorithms developed to predict the effect of sequence changes on RNA splicing suggest that this variant may create or strengthen a splice site, but this prediction has not been confirmed by published transcriptional studies. Loss-of-function variants in MYBPC3 are known to be pathogenic (PMID: 19574547). For these reasons, this variant has been classified as Pathogenic.

Literature cited by the submitters: PubMed 19574547.